The following is an entry in ClinVar:

NM_000204.5(CFI):c.1397C>G (p.Thr466Arg)

Gene: CFI (complement factor I; minus strand). Cytogenetic location: 4q25.
Variant type: single nucleotide variant.
Coding change: c.1397C>G on transcript NM_000204.5 (MANE Select); coding-DNA position 1397, C replaced by G.
Protein change: p.Thr466Arg; replaces threonine 466 with arginine.
Molecular consequence: missense variant. On other transcripts: non-coding transcript variant (2).
Genome position (GRCh38, 1-based): chr4:109,746,254, G>C on the plus strand (C>G on the coding strand, the complement: CFI is on the minus strand). VCF-style: chr4-109746254-G-C. GRCh37 (hg19) VCF-style: chr4-110667410-G-C.
Other names: c.1421C>G, p.Thr474Arg (NM_001318057.2, NM_001375278.1); c.1376C>G, p.Thr459Arg (NM_001331035.2, NM_001375280.1, NM_001375282.1); c.1397C>G, p.Thr466Arg (NM_001375279.1, NM_001375281.1); c.1340C>G, p.Thr447Arg (NM_001375283.1); c.788C>G, p.Thr263Arg (NM_001375284.1); short protein forms T263R, T447R, T459R, T466R, T474R.
Identifiers: ClinVar variation 1715133 (VCV001715133.5), dbSNP rs2545375506, ClinGen allele CA357856610.
Genomic context (GRCh38, chr4:109,746,254, plus strand): 5'-TCTGATTAACAAACTGTAAAACATATACCTTTTTCTCGTCCCCAGCCAGAAACGATGCAT[G>C]TATCATTAGGTTGGAATAGGTAAGGAGACCAGGGGACACAGGCAGGGATGGAACGAGGCA-3'
Protein context (NP_000195.3, residues 456-476): WSPYLFQPND[Thr466Arg]CIVSGWGREK

ClinVar aggregate classification (germline): Uncertain significance (1 of 4 stars; one submission).

Submission:

Labcorp Genetics (formerly Invitae), Labcorp
Classification: Uncertain significance. Last evaluated: 2022-08-05. Review status: criteria provided, single submitter. Criteria: Invitae Variant Classification Sherloc (09022015). Collection method: clinical testing. Allele origin: germline.
Comment: In summary, the available evidence is currently insufficient to determine the role of this variant in disease. Therefore, it has been classified as a Variant of Uncertain Significance. Advanced modeling of protein sequence and biophysical properties (such as structural, functional, and spatial information, amino acid conservation, physicochemical variation, residue mobility, and thermodynamic stability) performed at Invitae indicates that this missense variant is not expected to disrupt CFI protein function. This variant has not been reported in the literature in individuals affected with CFI-related conditions. This variant is not present in population databases (gnomAD no frequency). This sequence change replaces threonine, which is neutral and polar, with arginine, which is basic and polar, at codon 466 of the CFI protein (p.Thr466Arg).